The following is an entry in ClinVar:

NM_001394372.1(BICRA):c.3056C>T (p.Pro1019Leu)

Gene: BICRA (BRD4 interacting chromatin remodeling complex associated protein; plus strand). Cytogenetic location: 19q13.33.
Variant type: single nucleotide variant.
Coding change: c.3056C>T on transcript NM_001394372.1 (MANE Select); coding-DNA position 3056, C replaced by T.
Protein change: p.Pro1019Leu; replaces proline 1019 with leucine.
Molecular consequence: missense variant.
Genome position (GRCh38, 1-based): chr19:47,695,060, C>T. VCF-style: chr19-47695060-C-T. GRCh37 (hg19) VCF-style: chr19-48198317-C-T.
Other names: c.3056C>T, p.Pro1019Leu (NM_015711.3); short protein forms P1019L.
Identifiers: ClinVar variation 2650180 (VCV002650180.27), dbSNP rs566879134, ClinGen allele CA9542079.

ClinVar aggregate classification (germline): Conflicting classifications of pathogenicity. Review status: criteria provided, conflicting classifications (1 of 4 stars). 3 submissions from 3 submitters: Uncertain significance (1); Likely benign (2). Last evaluated 2026-05-01.

Allele frequency attached by ClinVar (database versions not stated): 1000 Genomes Project 0.00040; gnomAD exomes 0.00043; gnomAD 0.00046; TOPMed 0.00061; 1000 Genomes Project 30x 0.00062; ExAC 0.00226.
gnomAD v4.1: 654 of 1,497,188 alleles (0.044%); highest among the groups gnomAD compares: Middle Eastern, 0.18%; 3 homozygotes.

Submissions (3):

CeGaT Center for Human Genetics Tuebingen
Classification: Likely benign. Last evaluated: 2026-05-01. Review status: criteria provided, single submitter. Criteria: CeGaT Center For Human Genetics Tuebingen Variant Classification Criteria Version 2. Collection method: clinical testing. Allele origin: germline. Affected: yes. Observed: 2 variant alleles.
Comment: BICRA: BS1

Blueprint Genetics
Classification: Likely benign. Last evaluated: 2024-11-18. Review status: criteria provided, single submitter. Criteria: ACMG Guidelines, 2015. Collection method: clinical testing. Allele origin: germline.

Ambry Genetics
Classification: Uncertain significance. Last evaluated: 2024-08-11. Review status: criteria provided, single submitter. Criteria: Ambry Variant Classification Scheme 2023. Collection method: clinical testing. Allele origin: germline.